The following is an entry in ClinVar:

NM_003873.7(NRP1):c.204G>C (p.Met68Ile)

Gene: NRP1 (neuropilin 1; minus strand). Cytogenetic location: 10p11.22.
Variant type: single nucleotide variant.
Coding change: c.204G>C on transcript NM_003873.7 (MANE Select); coding-DNA position 204, G replaced by C.
Protein change: p.Met68Ile; replaces methionine 68 with isoleucine.
Molecular consequence: missense variant. On other transcripts: non-coding transcript variant (1).
Genome position (GRCh38, 1-based): chr10:33,330,752, C>G on the plus strand (G>C on the coding strand, the complement: NRP1 is on the minus strand). VCF-style: chr10-33330752-C-G. GRCh37 (hg19) VCF-style: chr10-33619680-C-G.
Other names: c.204G>C, p.Met68Ile (NM_001024628.3, NM_001024629.3, NM_001244972.2 and 2 more transcripts); short protein forms M68I.
Identifiers: ClinVar variation 3349442 (VCV003349442.1).

ClinVar aggregate classification (germline): Uncertain significance (0 of 4 stars; one submission).

Conditions:
NRP1-related disorder. Also called: NRP1-related condition.

gnomAD v4.1: 3 of 1,613,582 alleles (0.00019%); highest among the groups gnomAD compares: Non-Finnish European, 0.00025%; no homozygotes.

Submission:

PreventionGenetics, part of Exact Sciences
Classification: Uncertain significance for NRP1-related condition. Last evaluated: 2024-02-09. Review status: no assertion criteria provided. Collection method: clinical testing. Allele origin: germline.
Comment: The NRP1 c.204G>C variant is predicted to result in the amino acid substitution p.Met68Ile. To our knowledge, this variant has not been reported in the literature or in a large population database, indicating this variant is rare. At this time, the clinical significance of this variant is uncertain due to the absence of conclusive functional and genetic evidence.